The following is an entry in ClinVar:

NM_004646.4(NPHS1):c.661_662del (p.Ser221fs)

Gene: NPHS1 (NPHS1 adhesion molecule, nephrin; minus strand). Cytogenetic location: 19q13.12.
Variant type: Deletion.
Coding change: c.661_662del on transcript NM_004646.4 (MANE Select); coding-DNA positions 661 to 662, 2 bases deleted (AG; older notation c.661_662delAG).
Protein change: p.Ser221fs; shifts the reading frame from serine 221.
Molecular consequence: frameshift variant.
Genome position (GRCh38, 1-based): chr19:35,849,600-35,849,601, CT deleted on the plus strand (AG on the coding strand, the reverse complement: NPHS1 is on the minus strand). VCF-style (leftmost placement, unchanged base first): chr19-35849599-GCT-G. GRCh37 (hg19) VCF-style: chr19-36340501-GCT-G.
Other names: c.661_662delAG (NM_004646.3); short protein forms S221fs.
Identifiers: ClinVar variation 56519 (VCV000056519.2), dbSNP rs386833957, ClinGen allele CA250266.

ClinVar aggregate classification (germline): Likely pathogenic (0 of 4 stars; one submission).

Conditions:
Finnish congenital nephrotic syndrome (NPHS1). Also called: NEPHROTIC SYNDROME, TYPE 1. Identifiers: Orphanet 839, MedGen C0403399, MONDO:0009732, OMIM 256300.

Submission:

Juha Muilu Group; Institute for Molecular Medicine Finland (FIMM)
Classification: Likely pathogenic for Finnish congenital nephrotic syndrome. Review status: no assertion criteria provided. Collection method: not provided. Allele origin: unknown.
Comment: FinDis database variant: This variant was not found or characterized by our laboratory, data were collected from public sources: see reference
ClinVar note: Converted during submission from probable-pathogenic to Likely pathogenic.